The following is an entry in ClinVar:

ClinVar aggregate classification (germline): Likely benign. Review status: criteria provided, multiple submitters, no conflicts (2 of 4 stars). 2 submissions from 2 submitters: Likely benign (2). Last evaluated 2025-11-20.

Conditions:
Usher syndrome type 3B. Also called: USHER SYNDROME, TYPE IIIB. Identifiers: MedGen C3281066, MONDO:0013788, OMIM 614504.

Allele frequency attached by ClinVar (database versions not stated): gnomAD exomes below 0.00001.

Submissions (2):

Mayo Clinic Laboratories, Mayo Clinic
Classification: Likely benign. Last evaluated: 2025-11-20. Review status: criteria provided, single submitter. Criteria: ACMG Guidelines, 2015. Collection method: clinical testing. Allele origin: germline. Observed: 1 variant allele.
Comment: BP4, BP7

Labcorp Genetics (formerly Invitae), Labcorp
Classification: Likely benign for Usher syndrome type 3B. Last evaluated: 2021-12-27. Review status: criteria provided, single submitter. Criteria: Invitae Variant Classification Sherloc (09022015). Collection method: clinical testing. Allele origin: germline.

NM_002109.6(HARS1):c.723G>A (p.Leu241=)

Gene: HARS1 (histidyl-tRNA synthetase 1; minus strand). Cytogenetic location: 5q31.3.
Variant type: single nucleotide variant.
Coding change: c.723G>A on transcript NM_002109.6 (MANE Select); coding-DNA position 723, G replaced by A.
Protein change: p.Leu241=; no amino-acid change (leucine 241 retained).
Molecular consequence: synonymous variant.
Genome position (GRCh38, 1-based): chr5:140,677,661, C>T on the plus strand (G>A on the coding strand, the complement: HARS1 is on the minus strand). VCF-style: chr5-140677661-C-T. GRCh37 (hg19) VCF-style: chr5-140057246-C-T.
Other names: p.Leu241=; c.603G>A, p.Leu201= (NM_001258040.3); c.663G>A, p.Leu221= (NM_001258041.3); c.543G>A, p.Leu181= (NM_001258042.3); c.501G>A, p.Leu167= (NM_001289092.2); c.381G>A, p.Leu127= (NM_001289093.2); c.636G>A, p.Leu212= (NM_001289094.2).
Identifiers: ClinVar variation 1108785 (VCV001108785.10), dbSNP rs1131036, ClinGen allele CA128377468.
Genomic context (GRCh38, chr5:140,677,661, plus strand): 5'-TTTCCCAAGGCAGGGTGGGATCTGGGAAAAGAAGTCAAGTACTTGGGTTGTTACCTTGTC[C>T]AGCTTGTCTACTGAGGAGCAGATGGTACGGAACTTGCTGTCAGAAACACCACAGATAGCA-3'
Protein context (NP_002100.2, residues 231-251): FRTICSSVDK[Leu241=]DKVSWEEVKN